The following is an entry in ClinVar:

NM_001200.4(BMP2):c.191A>G (p.Lys64Arg)

Gene: BMP2 (bone morphogenetic protein 2; plus strand). Cytogenetic location: 20p12.3.
Variant type: single nucleotide variant.
Coding change: c.191A>G on transcript NM_001200.4 (MANE Select); coding-DNA position 191, A replaced by G.
Protein change: p.Lys64Arg; replaces lysine 64 with arginine.
Molecular consequence: missense variant.
Genome position (GRCh38, 1-based): chr20:6,770,317, A>G. VCF-style: chr20-6770317-A-G. GRCh37 (hg19) VCF-style: chr20-6750964-A-G.
Other names: short protein forms K64R.
Identifiers: ClinVar variation 4778563 (VCV004778563.1).

ClinVar aggregate classification (germline): Uncertain significance (1 of 4 stars; one submission).

Submission:

Labcorp Genetics (formerly Invitae), Labcorp
Classification: Uncertain significance. Last evaluated: 2025-05-15. Review status: criteria provided, single submitter. Criteria: Invitae Variant Classification Sherloc (09022015). Collection method: clinical testing. Allele origin: germline.
Comment: This sequence change replaces lysine, which is basic and polar, with arginine, which is basic and polar, at codon 64 of the BMP2 protein (p.Lys64Arg). This variant is not present in population databases (gnomAD no frequency). This variant has not been reported in the literature in individuals affected with BMP2-related conditions. An algorithm developed to predict the effect of missense changes on protein structure and function (PolyPhen-2) suggests that this variant is likely to be disruptive. In summary, the available evidence is currently insufficient to determine the role of this variant in disease. Therefore, it has been classified as a Variant of Uncertain Significance.